The following is an entry in ClinVar:

NM_198503.5(KCNT2):c.2500A>G (p.Ser834Gly)

Gene: KCNT2 (potassium sodium-activated channel subfamily T member 2; minus strand). Cytogenetic location: 1q31.3.
Variant type: single nucleotide variant.
Coding change: c.2500A>G on transcript NM_198503.5 (MANE Select); coding-DNA position 2500, A replaced by G.
Protein change: p.Ser834Gly; replaces serine 834 with glycine.
Molecular consequence: missense variant. On other transcripts: non-coding transcript variant (2).
Genome position (GRCh38, 1-based): chr1:196,305,329, T>C on the plus strand (A>G on the coding strand, the complement: KCNT2 is on the minus strand). VCF-style: chr1-196305329-T-C. GRCh37 (hg19) VCF-style: chr1-196274459-T-C.
Other names: c.2428A>G, p.Ser810Gly (NM_001287819.3); c.2278A>G, p.Ser760Gly (NM_001287820.3); short protein forms S760G, S810G, S834G.
Identifiers: ClinVar variation 5037387 (VCV005037387.1).

ClinVar aggregate classification (germline): Uncertain significance (1 of 4 stars; one submission).

gnomAD v4.1: 1 of 1,603,048 alleles (0.000062%); no homozygotes.

Submission:

GeneDx
Classification: Uncertain significance. Last evaluated: 2026-04-17. Review status: criteria provided, single submitter. Criteria: GeneDx Variant Classification Process June 2021. Collection method: clinical testing. Allele origin: germline.
Comment: Not observed at significant frequency in large population cohorts (gnomAD); In silico analysis supports that this missense variant has a deleterious effect on protein structure/function; Has not been previously published as pathogenic or benign to our knowledge